The following is an entry in ClinVar:

ClinVar aggregate classification (germline): Likely benign (0 of 4 stars; one submission).

Conditions:
SLC4A1-related disorder. Also called: SLC4A1-related condition; SLC4A1-related disorders.

Allele frequency attached by ClinVar (database versions not stated): TOPMed below 0.00001; gnomAD 0.00001.
gnomAD v4.1: 43 of 1,614,030 alleles (0.0027%); highest among the groups gnomAD compares: South Asian, 0.014%; no homozygotes.

Submission:

PreventionGenetics, part of Exact Sciences
Classification: Likely benign for SLC4A1-related condition. Last evaluated: 2021-11-11. Review status: no assertion criteria provided. Collection method: clinical testing. Allele origin: germline.
Comment: This variant is classified as likely benign based on ACMG/AMP sequence variant interpretation guidelines (Richards et al. 2015 PMID: 25741868, with internal and published modifications).

NM_000342.4(SLC4A1):c.-4C>T

Gene: SLC4A1 (solute carrier family 4 member 1 (Diego blood group); minus strand). Cytogenetic location: 17q21.31.
Variant type: single nucleotide variant.
Coding change: c.-4C>T on transcript NM_000342.4 (MANE Select); 4 bases upstream of the start codon, C replaced by T.
Molecular consequence: 5 prime UTR variant.
Genome position (GRCh38, 1-based): chr17:44,262,870, G>A on the plus strand (C>T on the coding strand, the complement: SLC4A1 is on the minus strand). VCF-style: chr17-44262870-G-A. GRCh37 (hg19) VCF-style: chr17-42340238-G-A.
Identifiers: ClinVar variation 3059018 (VCV003059018.2), dbSNP rs937951019, ClinGen allele CA290937224.